The following is an entry in ClinVar:

NM_198904.4(GABRG2):c.128A>T (p.Asp43Val)

Gene: GABRG2 (gamma-aminobutyric acid type A receptor subunit gamma2; plus strand). Cytogenetic location: 5q34.
Variant type: single nucleotide variant.
Coding change: c.128A>T on transcript NM_198904.4 (MANE Select); coding-DNA position 128, A replaced by T.
Protein change: p.Asp43Val; replaces aspartic acid 43 with valine.
Molecular consequence: missense variant. On other transcripts: 5 prime UTR variant (3).
Genome position (GRCh38, 1-based): chr5:162,093,848, A>T. VCF-style: chr5-162093848-A-T. GRCh37 (hg19) VCF-style: chr5-161520854-A-T.
Other names: c.128A>T, p.Asp43Val (NM_198903.2, NM_000816.3, NM_001375340.1 and 4 more transcripts); c.119A>T, p.Asp40Val (NM_001375339.1); c.62A>T, p.Asp21Val (NM_001375345.1, NM_001375346.1); c.41A>T, p.Asp14Val (NM_001375347.1); c.-231A>T (NM_001375348.1, NM_001375350.1); c.-158A>T (NM_001375349.1); short protein forms D40V, D43V, D21V, D14V.
Identifiers: ClinVar variation 2934388 (VCV002934388.5), dbSNP rs1760796569, ClinGen allele CA362182872.
Genomic context (GRCh38, chr5:162,093,848, plus strand): 5'-TGTAATCTATGTGTTTTTTGACCAATATGTTTTTTCTTAGCTTCACTAGCCAGAAATCTG[A>T]TGATGACTATGAAGATTATGCTTCTAACAAAACATGGGTCTTGACTCCAAAAGTTCCTGA-3'
Protein context (NP_944494.1, residues 33-53): LYPGFTSQKS[Asp43Val]DDYEDYASNK

ClinVar aggregate classification (germline): Uncertain significance. Review status: criteria provided, multiple submitters, no conflicts (2 of 4 stars). 2 submissions from 2 submitters: Uncertain significance (2). Last evaluated 2026-01-26.

Conditions:
EPILEPSY, CHILDHOOD ABSENCE, SUSCEPTIBILITY TO, 2 (ECA2). Identifiers: Orphanet 64280, MedGen C1843244, OMIM 607681.
Febrile seizures, familial, 8 (FEB8). Also called: CONVULSIONS, FAMILIAL FEBRILE, 8. Identifiers: Orphanet 36387, MedGen C1969810, MONDO:0011891, OMIM 607681.

Allele frequency attached by ClinVar (database versions not stated): gnomAD exomes below 0.00001; TOPMed below 0.00001.
gnomAD v4.1: 1 of 1,613,132 alleles (0.000062%); highest among the groups gnomAD compares: Non-Finnish European, 0.000085%; no homozygotes.

Submissions (2):

GeneDx
Classification: Uncertain significance. Last evaluated: 2026-01-26. Review status: criteria provided, single submitter. Criteria: GeneDx Variant Classification Process June 2021. Collection method: clinical testing. Allele origin: germline. Affected: yes.
Comment: Not observed at significant frequency in large population cohorts (gnomAD); In silico analysis supports that this missense variant does not alter protein structure/function; Has not been previously published as pathogenic or benign to our knowledge

Labcorp Genetics (formerly Invitae), Labcorp
Classification: Uncertain significance for Febrile seizures, familial, 8; EPILEPSY, CHILDHOOD ABSENCE, SUSCEPTIBILITY TO, 2. Last evaluated: 2023-12-28. Review status: criteria provided, single submitter. Criteria: Invitae Variant Classification Sherloc (09022015). Collection method: clinical testing. Allele origin: germline.
Comment: This sequence change replaces aspartic acid, which is acidic and polar, with valine, which is neutral and non-polar, at codon 43 of the GABRG2 protein (p.Asp43Val). This variant is not present in population databases (gnomAD no frequency). This variant has not been reported in the literature in individuals affected with GABRG2-related conditions. Advanced modeling of protein sequence and biophysical properties (such as structural, functional, and spatial information, amino acid conservation, physicochemical variation, residue mobility, and thermodynamic stability) has been performed at Invitae for this missense variant, however the output from this modeling did not meet the statistical confidence thresholds required to predict the impact of this variant on GABRG2 protein function. In summary, the available evidence is currently insufficient to determine the role of this variant in disease. Therefore, it has been classified as a Variant of Uncertain Significance.